The following is an entry in ClinVar:

NM_001378454.1(ALMS1):c.6302C>A (p.Ser2101Ter)

Gene: ALMS1 (ALMS1 centrosome and basal body associated protein; plus strand). Cytogenetic location: 2p13.1.
Variant type: single nucleotide variant.
Coding change: c.6302C>A on transcript NM_001378454.1 (MANE Select); coding-DNA position 6302, C replaced by A.
Protein change: p.Ser2101Ter; replaces serine 2101 with a stop codon.
Molecular consequence: nonsense.
Genome position (GRCh38, 1-based): chr2:73,452,829, C>A. VCF-style: chr2-73452829-C-A. GRCh37 (hg19) VCF-style: chr2-73679956-C-A.
Other names: c.6305C>A, p.Ser2102Ter (NM_015120.4); short protein forms S2101*, S2102*.
Identifiers: ClinVar variation 871762 (VCV000871762.67), dbSNP rs28730854, ClinGen allele CA1714044.

ClinVar aggregate classification (germline): Pathogenic. Review status: criteria provided, multiple submitters, no conflicts (2 of 4 stars). 10 submissions from 10 submitters: Pathogenic (9). 1 of the submissions does not count toward it. Last evaluated 2026-01-18.

Conditions:
Cardiovascular phenotype. Identifiers: MedGen CN230736.
ALMS1-related disorder. Also called: ALMS1-related condition.
Alstrom syndrome (ALMS). Identifiers: Orphanet 64, MedGen C0268425, MONDO:0008763, OMIM 203800.

gnomAD v4.1: 41 of 1,613,556 alleles (0.0025%); highest among the groups gnomAD compares: African/African-American, 0.011%; no homozygotes.

Submissions (10):

Labcorp Genetics (formerly Invitae), Labcorp
Classification: Pathogenic for Alstrom syndrome. Last evaluated: 2026-01-18. Review status: criteria provided, single submitter. Criteria: Invitae Variant Classification Sherloc (09022015). Collection method: clinical testing. Allele origin: germline.
Comment: This sequence change creates a premature translational stop signal (p.Ser2102*) in the ALMS1 gene. It is expected to result in an absent or disrupted protein product. Loss-of-function variants in ALMS1 are known to be pathogenic (PMID: 17594715). This variant is present in population databases (rs28730854, gnomAD 0.02%). This premature translational stop signal has been observed in individual(s) with Alstrom syndrome (PMID: 17594715, 30488743). ClinVar contains an entry for this variant (Variation ID: 871762). For these reasons, this variant has been classified as Pathogenic.

GeneDx
Classification: Pathogenic. Last evaluated: 2025-09-01. Review status: criteria provided, single submitter. Criteria: GeneDx Variant Classification Process June 2021. Collection method: clinical testing. Allele origin: germline. Affected: yes.
Comment: Nonsense variant predicted to result in protein truncation or nonsense mediated decay in a gene for which loss of function is a known mechanism of disease; This variant is associated with the following publications: (PMID: 32531858, 31106028, 30488743, 30064963, 34148116, 17594715, 29302074, 39264219)

Ambry Genetics
Classification: Pathogenic for Cardiovascular phenotype. Last evaluated: 2024-09-24. Review status: criteria provided, single submitter. Criteria: Ambry Variant Classification Scheme 2023. Collection method: clinical testing. Allele origin: germline.
Comment: The p.S2102* pathogenic mutation (also known as c.6305C>A), located in coding exon 8 of the ALMS1 gene, results from a C to A substitution at nucleotide position 6305. This changes the amino acid from a serine to a stop codon within coding exon 8. This variant has been identified in the homozygous state and/or in conjunction with other ALMS1 variant(s) in individual(s) with features consistent with Alstrom syndrome (Marshall JD et al. Hum Mutat, 2007 Nov;28:1114-23; Citton V et al. J Neuroradiol, 2016 Jun;43:195-9; Han JC et al. J Clin Endocrinol Metab, 2018 07;103:2707-2719; Hu H et al. Mol Psychiatry, 2019 07;24:1027-1039; Wang P et al. Transl Vis Sci Technol, 2019 Mar;8:21). In addition to the clinical data presented in the literature, this alteration is expected to result in loss of function by premature protein truncation or nonsense-mediated mRNA decay. As such, this alteration is interpreted as a disease-causing mutation.

Women's Health and Genetics/Laboratory Corporation of America, LabCorp
Classification: Pathogenic for Alstrom syndrome. Last evaluated: 2024-02-05. Review status: criteria provided, single submitter. Criteria: LabCorp Variant Classification Summary - May 2015. Collection method: clinical testing. Allele origin: germline.
Comment: Variant summary: ALMS1 c.6299C>A (p.Ser2100X) results in a premature termination codon, predicted to cause absence of the protein due to nonsense mediated decay, which is a commonly known mechanism for disease. The variant allele was found at a frequency of 2e-05 in 247674 control chromosomes. c.6299C>A has been reported in the literature in at-least one individual affected with Alstrom Syndrome (example, Bahena_2021). These data indicate that the variant is very likely associated with disease. To our knowledge, no experimental evidence demonstrating an impact on protein function has been reported. The following publication has been ascertained in the context of this evaluation (PMID: 34148116). ClinVar contains an entry for this variant (Variation ID: 871762). Based on the evidence outlined above, the variant was classified as pathogenic.

Blueprint Genetics
Classification: Pathogenic for ALMS1-related disorders. Last evaluated: 2022-09-21. Review status: criteria provided, single submitter. Criteria: ACMG Guidelines, 2015. Collection method: clinical testing. Allele origin: germline. Affected: yes. Observed: 4 variant alleles.

Dasa
Classification: Pathogenic for Alstrom syndrome. Last evaluated: 2022-04-10. Review status: criteria provided, single submitter. Criteria: ACMG Guidelines, 2015. Collection method: clinical testing. Allele origin: germline. Affected: yes. Observed: 1 variant allele.
Comment: The c.6305C>A;p.(Ser2102*) variant creates a premature translational stop signal in the ALMS1 gene. It is expected to result in an absent or disrupted protein product -PVS1. This sequence change has been observed in affected individual(s) and ClinVar contains an entry for this variant (ClinVar ID: 871762; PMID: 30488743; 30064963; 17594715) - PS4. The variant is present at low allele frequencies population databases (rs28730854 – gnomAD 0.0004602%; ABraOM no frequency) - PM2_supporting. The p.(Ser2102*) was detected in trans with a pathogenic variant (PMID: 30488743; 30064963; 17594715) - PM3. In summary, the currently available evidence indicates that the variant is pathogenic.

Fulgent Genetics
Classification: Pathogenic for Alstrom syndrome. Last evaluated: 2021-10-26. Review status: criteria provided, single submitter. Criteria: ACMG Guidelines, 2015. Collection method: clinical testing. Allele origin: unknown.

CeGaT Center for Human Genetics Tuebingen
Classification: Pathogenic. Last evaluated: 2018-07-01. Review status: criteria provided, single submitter. Criteria: CeGaT Center For Human Genetics Tuebingen Variant Classification Criteria Version 2. Collection method: clinical testing. Allele origin: germline. Affected: yes. Observed: 1 variant allele.

Juno Genomics, Hangzhou Juno Genomics, Inc
Classification: Pathogenic for Alstrom syndrome. Review status: criteria provided, single submitter. Criteria: ACMG Guidelines, 2015. Collection method: clinical testing. Allele origin: germline.
Comment: Absent from controls (or at extremely low frequency if recessive) in Genome Aggregation Database.;Null variant in a gene where loss of function (LOF) is a known mechanism of disease.;For recessive disorders, detected in trans with a pathogenic variant.

Natera, Inc.
Classification: Pathogenic for Alstrom syndrome. Last evaluated: 2021-08-19. Review status: no assertion criteria provided. Collection method: clinical testing. Allele origin: germline. Not counted in ClinVar's aggregate classification.

Literature cited by the submitters: PubMed 17594715 (cited by 3 submitters); PubMed 30488743 (cited by Labcorp Genetics (formerly Invitae), Labcorp and Dasa); PubMed 26704672 (cited by Ambry Genetics); PubMed 29302074 (cited by Ambry Genetics); PubMed 29718281 (cited by Ambry Genetics); PubMed 31106028 (cited by Ambry Genetics); PubMed 34148116 (cited by Women's Health and Genetics/Laboratory Corporation of America, LabCorp); PubMed 30064963 (cited by Dasa).